The following is an entry in ClinVar:

ClinVar aggregate classification (germline): Uncertain significance. Review status: criteria provided, multiple submitters, no conflicts (2 of 4 stars). 2 submissions from 2 submitters: Uncertain significance (2). Last evaluated 2025-07-15.

Allele frequency attached by ClinVar (database versions not stated): TOPMed below 0.00001.
gnomAD v4.1: 2 of 1,613,902 alleles (0.00012%); highest among the groups gnomAD compares: Non-Finnish European, 0.00017%; no homozygotes.

Submissions (2):

GeneDx
Classification: Uncertain significance. Last evaluated: 2025-07-15. Review status: criteria provided, single submitter. Criteria: GeneDx Variant Classification Process June 2021. Collection method: clinical testing. Allele origin: germline. Affected: yes.
Comment: Reported previously in a patient with a neurodevelopmental disorder; however, no further clinical or segregation information was provided (PMID: 33004838); Not observed at significant frequency in large population cohorts (gnomAD); In silico analysis supports that this missense variant has a deleterious effect on protein structure/function; Missense variant in a gene in which most reported pathogenic variants are truncating/loss of function; This variant is associated with the following publications: (PMID: 33004838)

CeGaT Center for Human Genetics Tuebingen
Classification: Uncertain significance. Last evaluated: 2022-11-01. Review status: criteria provided, single submitter. Criteria: CeGaT Center For Human Genetics Tuebingen Variant Classification Criteria Version 2. Collection method: clinical testing. Allele origin: germline. Affected: yes. Observed: 1 variant allele.
Comment: NRXN1: PM2, PP3

NM_001330078.2(NRXN1):c.2102A>T (p.Asp701Val)

Gene: NRXN1 (neurexin 1; minus strand). Cytogenetic location: 2p16.3.
Variant type: single nucleotide variant.
Coding change: c.2102A>T on transcript NM_001330078.2 (MANE Select); coding-DNA position 2102, A replaced by T.
Protein change: p.Asp701Val; replaces aspartic acid 701 with valine.
Molecular consequence: missense variant.
Genome position (GRCh38, 1-based): chr2:50,538,294, T>A on the plus strand (A>T on the coding strand, the complement: NRXN1 is on the minus strand). VCF-style: chr2-50538294-T-A. GRCh37 (hg19) VCF-style: chr2-50765432-T-A.
Other names: c.2222A>T, p.Asp741Val (NM_001135659.3); c.2078A>T, p.Asp693Val (NM_001330077.2, NM_001330082.2, NM_001330095.2); c.2063A>T, p.Asp688Val (NM_001330083.2, NM_001330084.2); c.2102A>T, p.Asp701Val (NM_001330085.2, NM_001330086.2, NM_004801.6); c.2018A>T, p.Asp673Val (NM_001330087.2, NM_001330096.2); c.2048A>T, p.Asp683Val (NM_001330088.2); c.2099A>T, p.Asp700Val (NM_001330093.2); c.2090A>T, p.Asp697Val (NM_001330094.2); and 1 more; short protein forms D673V, D683V, D688V, D693V, D697V, D700V, D701V, D741V.
Identifiers: ClinVar variation 2650907 (VCV002650907.25), dbSNP rs754561222, ClinGen allele CA346770133.